The following is an entry in ClinVar:

ClinVar aggregate classification (germline): Pathogenic/Likely pathogenic. Review status: criteria provided, multiple submitters, no conflicts (2 of 4 stars). 8 submissions from 8 submitters: Pathogenic (2); Likely pathogenic (5). 1 of the submissions does not count toward it. Last evaluated 2025-12-03.

Conditions:
BTD-related disorder. Also called: BTD-related condition.
Biotinidase deficiency. Also called: Biotin deficiency; BTD deficiency; Late-onset biotin-responsive multiple carboxylase deficiency. Identifiers: Orphanet 79241, MedGen C0220754, MONDO:0009665, OMIM 253260.

Allele frequency attached by ClinVar (database versions not stated): ExAC 0.00002; gnomAD 0.00001 and 0.00003; gnomAD exomes 0.00001 and 0.00002; TOPMed 0.00002; 1000 Genomes Project 30x 0.00016; 1000 Genomes Project 0.00020.
gnomAD v4.1: 17 of 1,613,710 alleles (0.0011%); highest among the groups gnomAD compares: Middle Eastern, 0.017%; no homozygotes.

Submissions (8):

Labcorp Genetics (formerly Invitae), Labcorp
Classification: Pathogenic for Biotinidase deficiency. Last evaluated: 2025-12-03. Review status: criteria provided, single submitter. Criteria: Invitae Variant Classification Sherloc (09022015). Collection method: clinical testing. Allele origin: germline.
Comment: This sequence change replaces arginine, which is basic and polar, with cysteine, which is neutral and slightly polar, at codon 157 of the BTD protein (p.Arg157Cys). This variant is present in population databases (rs397514363, gnomAD 0.007%). This missense change has been observed in individuals with biotinidase deficiency (PMID: 17185019, 20224900). It has also been observed to segregate with disease in related individuals. ClinVar contains an entry for this variant (Variation ID: 25012). Invitae Evidence Modeling of protein sequence and biophysical properties (such as structural, functional, and spatial information, amino acid conservation, physicochemical variation, residue mobility, and thermodynamic stability) indicates that this missense variant is expected to disrupt BTD protein function with a positive predictive value of 95%. This variant disrupts the p.Arg157 amino acid residue in BTD. Other variant(s) that disrupt this residue have been determined to be pathogenic (PMID: 9396567, 11313766, 20224900, 22698809). This suggests that this residue is clinically significant, and that variants that disrupt this residue are likely to be disease-causing. For these reasons, this variant has been classified as Pathogenic.

Natera, Inc.
Classification: Pathogenic for Biotinidase deficiency. Last evaluated: 2025-02-25. Review status: criteria provided, single submitter. Criteria: Natera Variant Classification Schema (03/2026). Collection method: clinical testing. Allele origin: germline.
Comment: The c.409C>T variant in BTD is a missense variant predicted to cause substitution of arginine to cysteine at amino acid 137. This variant is rare in the general population with a frequency below the threshold expected for the associated phenotype(s). This variant has been observed in one or more individuals affected with the associated recessive disease, as either homozygous or compound heterozygous with a second variant (PMID: 17185019). Additionally, this variant has been observed to segregate in affected family members (PMID: 20224900, 17185019). A different variant at the same position has been determined to be Pathogenic or Likely Pathogenic. Computational prediction algorithms indicate this variant is likely to affect gene or protein function. Given the available evidence, this variant is classified as Pathogenic.

Revvity Omics, Revvity
Classification: Likely pathogenic for Biotinidase deficiency. Last evaluated: 2024-12-13. Review status: criteria provided, single submitter. Criteria: ACMG Guidelines, 2015. Collection method: clinical testing. Allele origin: germline.

Baylor Genetics
Classification: Likely pathogenic for Biotinidase deficiency. Last evaluated: 2024-02-08. Review status: criteria provided, single submitter. Criteria: ACMG Guidelines, 2015. Collection method: clinical testing. Allele origin: unknown.

Blueprint Genetics
Classification: Likely pathogenic for BTD-related disorders. Last evaluated: 2021-03-19. Review status: criteria provided, single submitter. Criteria: ACMG Guidelines, 2015. Collection method: clinical testing. Allele origin: germline. Affected: yes. Observed: 3 variant alleles.

GeneDx
Classification: Likely pathogenic. Last evaluated: 2016-09-30. Review status: criteria provided, single submitter. Criteria: GeneDx Variant Classification (06012015). Collection method: clinical testing. Allele origin: germline. Affected: yes.
Comment: The R157C variant in the BTD gene has been reported previously in association with partial biotinidase deficiency when present in the homozygous state or when in trans with another disease-causing variant (MilÃ¡nkovics et al., 2007; Ohlsson et al., 2010). The R157C variant was not observed in approximately 6,500 individuals of European and African American ancestry in the NHLBI Exome Sequencing Project, indicating it is not a common benign variant in these populations. The R157C variant is a non-conservative amino acid substitution, which is likely to impact secondary protein structure as these residues differ in polarity, charge, size and/or other properties. This substitution occurs at a position that is not conserved. However, in silico analysis predicts this variant is probably damaging to the protein structure/function. Missense variants in the same and nearby residues (T152P, T152R, R157H, C160Y, A162V) have been reported in the Human Gene Mutation Database in association with biotinidase deficiency (Stenson et al., 2014), supporting the functional importance of this region of the protein. The R157C variant is a strong candidate for a pathogenic variant, however the possibility it may be a rare benign variant cannot be excluded.

Juno Genomics, Hangzhou Juno Genomics, Inc
Classification: Likely pathogenic for Biotinidase deficiency. Review status: criteria provided, single submitter. Criteria: ACMG Guidelines, 2015. Collection method: clinical testing. Allele origin: germline.
Comment: Absent from controls (or at extremely low frequency if recessive) in Genome Aggregation Database.;Multiple lines of computational evidence support a deleterious effect on the gene or gene product.;For recessive disorders, detected in trans with a pathogenic variant.;Patient's phenotype or family history is highly specific for a disease with a single genetic etiology.;Novel missense change at an amino acid residue where a different missense change determined to be pathogenic has been seen before.

Counsyl
Classification: Uncertain significance for Biotinidase deficiency. Last evaluated: 2019-05-07. Review status: no assertion criteria provided. Collection method: clinical testing. Allele origin: unknown. Not counted in ClinVar's aggregate classification.

Literature cited by the submitters: PubMed 17185019 (cited by 3 submitters); PubMed 20224900 (cited by 3 submitters); PubMed 9396567 (cited by Labcorp Genetics (formerly Invitae), Labcorp); PubMed 11313766 (cited by Labcorp Genetics (formerly Invitae), Labcorp); PubMed 22698809 (cited by Labcorp Genetics (formerly Invitae), Labcorp).

NM_001370658.1(BTD):c.409C>T (p.Arg137Cys)

Gene: BTD (biotinidase; plus strand). Cytogenetic location: 3p25.1.
Variant type: single nucleotide variant.
Coding change: c.409C>T on transcript NM_001370658.1 (MANE Select); coding-DNA position 409, C replaced by T.
Protein change: p.Arg137Cys; replaces arginine 137 with cysteine.
Molecular consequence: missense variant. On other transcripts: intron variant (1).
Genome position (GRCh38, 1-based): chr3:15,644,325, C>T. VCF-style: chr3-15644325-C-T. GRCh37 (hg19) VCF-style: chr3-15685832-C-T.
Other names: c.469C>T, p.Arg157Cys (NM_000060.4); c.409C>T, p.Arg137Cys (NM_001281723.4, NM_001281724.3, NM_001281725.3 and 18 more transcripts); c.399+2268C>T (NM_001370753.1); short protein forms R137C.
Identifiers: ClinVar variation 25012 (VCV000025012.20), dbSNP rs397514363, ClinGen allele CA278215.